The following is an entry in ClinVar:

ClinVar aggregate classification (germline): Uncertain significance. Review status: criteria provided, multiple submitters, no conflicts (2 of 4 stars). 3 submissions from 3 submitters: Uncertain significance (3). Last evaluated 2024-11-06.

Conditions:
Nephronophthisis 15 (NPHP15). Identifiers: Orphanet 3156, MedGen C3541853, MONDO:0013917, OMIM 614845.
CEP164-related disorder. Also called: CEP164-related condition.

Allele frequency attached by ClinVar (database versions not stated): gnomAD exomes 0.00001; TOPMed 0.00001.
gnomAD v4.1: 15 of 1,610,264 alleles (0.00093%); highest among the groups gnomAD compares: Admixed American, 0.0017%; no homozygotes.

Submissions (3):

PreventionGenetics, part of Exact Sciences
Classification: Uncertain significance for CEP164-related condition. Last evaluated: 2024-11-06. Review status: criteria provided, single submitter. Criteria: ACMG Guidelines, 2015. Collection method: clinical testing. Allele origin: germline.
Comment: The CEP164 c.2357G>A variant is predicted to result in the amino acid substitution p.Arg786Gln. To our knowledge, this variant has not been reported in the literature. This variant is reported in 0.0029% of alleles in individuals of Latino descent in gnomAD. At this time, the clinical significance of this variant is uncertain due to the absence of conclusive functional and genetic evidence.

Fulgent Genetics
Classification: Uncertain significance for Nephronophthisis 15. Last evaluated: 2024-06-03. Review status: criteria provided, single submitter. Criteria: ACMG Guidelines, 2015. Collection method: clinical testing. Allele origin: germline.

Mayo Clinic Laboratories, Mayo Clinic
Classification: Uncertain significance. Last evaluated: 2023-01-30. Review status: criteria provided, single submitter. Criteria: ACMG Guidelines, 2015. Collection method: clinical testing. Allele origin: germline. Observed: 1 variant allele.
Comment: BP4

NM_014956.5(CEP164):c.2357G>A (p.Arg786Gln)

Gene: CEP164 (centrosomal protein 164; plus strand). Cytogenetic location: 11q23.3.
Variant type: single nucleotide variant.
Coding change: c.2357G>A on transcript NM_014956.5 (MANE Select); coding-DNA position 2357, G replaced by A.
Protein change: p.Arg786Gln; replaces arginine 786 with glutamine.
Molecular consequence: missense variant.
Genome position (GRCh38, 1-based): chr11:117,392,299, G>A. VCF-style: chr11-117392299-G-A. GRCh37 (hg19) VCF-style: chr11-117263015-G-A.
Other names: p.Arg786Gln; c.2366G>A, p.Arg789Gln (NM_001271933.2); c.2357G>A (NM_014956.4); short protein forms R786Q, R789Q.
Identifiers: ClinVar variation 2683168 (VCV002683168.3), dbSNP rs1296625218, ClinGen allele CA382725362.